The following is an entry in ClinVar:

ClinVar aggregate classification (germline): Uncertain significance (1 of 4 stars; one submission).

gnomAD v4.1: 1 of 1,613,852 alleles (0.000062%); highest among the groups gnomAD compares: Non-Finnish European, 0.000085%; no homozygotes.

Submission:

GeneDx
Classification: Uncertain significance. Last evaluated: 2026-03-26. Review status: criteria provided, single submitter. Criteria: GeneDx Variant Classification Process June 2021. Collection method: clinical testing. Allele origin: germline.
Comment: Not observed at significant frequency in large population cohorts (gnomAD); In silico analysis supports that this missense variant has a deleterious effect on protein structure/function; Has not been previously published as pathogenic or benign to our knowledge

NM_130847.3(AMOTL1):c.1331T>C (p.Met444Thr)

Gene: AMOTL1 (angiomotin like 1; plus strand). Cytogenetic location: 11q21.
Variant type: single nucleotide variant.
Coding change: c.1331T>C on transcript NM_130847.3 (MANE Select); coding-DNA position 1331, T replaced by C.
Protein change: p.Met444Thr; replaces methionine 444 with threonine.
Molecular consequence: missense variant.
Genome position (GRCh38, 1-based): chr11:94,821,739, T>C. VCF-style: chr11-94821739-T-C. GRCh37 (hg19) VCF-style: chr11-94554905-T-C.
Other names: c.1181T>C, p.Met394Thr (NM_001301007.2); short protein forms M394T, M444T.
Identifiers: ClinVar variation 5017063 (VCV005017063.1).